The following is an entry in ClinVar:

NM_001405760.1(OR52I2):c.476C>T (p.Ala159Val)

Gene: OR52I2 (olfactory receptor family 52 subfamily I member 2; plus strand). Cytogenetic location: 11p15.4.
Variant type: single nucleotide variant.
Coding change: c.476C>T on transcript NM_001405760.1 (MANE Select); coding-DNA position 476, C replaced by T.
Protein change: p.Ala159Val; replaces alanine 159 with valine.
Molecular consequence: missense variant.
Genome position (GRCh38, 1-based): chr11:4,587,366, C>T. VCF-style: chr11-4587366-C-T. GRCh37 (hg19) VCF-style: chr11-4608596-C-T.
Other names: c.476C>T, p.Ala159Val (NM_001005170.4); short protein forms A185V, A159V.
Identifiers: ClinVar variation 2344612 (VCV002344612.27), dbSNP rs758703752, ClinGen allele CA5833421.

ClinVar aggregate classification (germline): Conflicting classifications of pathogenicity. Review status: criteria provided, conflicting classifications (1 of 4 stars). 2 submissions from 2 submitters: Uncertain significance (1); Likely benign (1). Last evaluated 2022-12-01.

Allele frequency attached by ClinVar (database versions not stated): gnomAD exomes 0.00006; ExAC 0.00007; 1000 Genomes Project 30x 0.00874.

Submissions (2):

CeGaT Center for Human Genetics Tuebingen
Classification: Likely benign. Last evaluated: 2022-12-01. Review status: criteria provided, single submitter. Criteria: CeGaT Center For Human Genetics Tuebingen Variant Classification Criteria Version 2. Collection method: clinical testing. Allele origin: germline. Affected: yes. Observed: 1 variant allele.
Comment: OR52I2: BP4, BS2

Ambry Genetics
Classification: Uncertain significance. Last evaluated: 2021-09-01. Review status: criteria provided, single submitter. Criteria: Ambry Variant Classification Scheme 2023. Collection method: clinical testing. Allele origin: germline.